The following is an entry in ClinVar:

ClinVar aggregate classification (germline): Uncertain significance. Review status: criteria provided, multiple submitters, no conflicts (2 of 4 stars). 6 submissions from 6 submitters: Uncertain significance (6). Last evaluated 2026-04-16.

Conditions:
TJP2-related disorder. Also called: TJP2-related condition.
Inborn genetic diseases. Identifiers: MedGen C0950123, MeSH D030342.

Allele frequency attached by ClinVar (database versions not stated): gnomAD 0.00002 and 0.00004; TOPMed 0.00002; ExAC 0.00003; gnomAD exomes 0.00003; ESP Exome Variant Server 0.00008.
gnomAD v4.1: 50 of 1,606,888 alleles (0.0031%); highest among the groups gnomAD compares: African/African-American, 0.0067%; no homozygotes.

Submissions (6):

PreventionGenetics, part of Exact Sciences
Classification: Uncertain significance for TJP2-related condition. Last evaluated: 2026-04-16. Review status: criteria provided, single submitter. Criteria: ACMG Guidelines, 2015. Collection method: clinical testing. Allele origin: germline.
Comment: The TJP2 c.2858C>T variant is predicted to result in the amino acid substitution p.Ser953Leu. To our knowledge, this variant has not been reported in the literature. This variant is reported in 0.013% of alleles in individuals of African descent in gnomAD. At this time, the clinical significance of this variant is uncertain due to the absence of conclusive functional and genetic evidence.

Ambry Genetics
Classification: Uncertain significance for Inborn genetic diseases. Last evaluated: 2025-10-22. Review status: criteria provided, single submitter. Criteria: Ambry Variant Classification Scheme 2023. Collection method: clinical testing. Allele origin: germline.

Labcorp Genetics (formerly Invitae), Labcorp
Classification: Uncertain significance. Last evaluated: 2024-07-17. Review status: criteria provided, single submitter. Criteria: Invitae Variant Classification Sherloc (09022015). Collection method: clinical testing. Allele origin: germline.
Comment: This sequence change replaces serine, which is neutral and polar, with leucine, which is neutral and non-polar, at codon 953 of the TJP2 protein (p.Ser953Leu). This variant is present in population databases (rs377218278, gnomAD 0.01%). This variant has not been reported in the literature in individuals affected with TJP2-related conditions. ClinVar contains an entry for this variant (Variation ID: 178684). Advanced modeling of protein sequence and biophysical properties (such as structural, functional, and spatial information, amino acid conservation, physicochemical variation, residue mobility, and thermodynamic stability) performed at Invitae indicates that this missense variant is expected to disrupt TJP2 protein function with a positive predictive value of 80%. In summary, the available evidence is currently insufficient to determine the role of this variant in disease. Therefore, it has been classified as a Variant of Uncertain Significance.

GeneDx
Classification: Uncertain significance. Last evaluated: 2024-07-08. Review status: criteria provided, single submitter. Criteria: GeneDx Variant Classification Process June 2021. Collection method: clinical testing. Allele origin: germline. Affected: yes.
Comment: In silico analysis supports that this missense variant has a deleterious effect on protein structure/function; Has not been previously published as pathogenic or benign to our knowledge

Eurofins Ntd Llc (ga)
Classification: Uncertain significance. Last evaluated: 2017-08-25. Review status: criteria provided, single submitter. Criteria: EGL Classification Definitions 2015. Collection method: clinical testing. Allele origin: germline. Observed: 1 variant allele, 1 heterozygote.

Laboratory for Molecular Medicine, Mass General Brigham Personalized Medicine
Classification: Uncertain significance. Last evaluated: 2014-07-16. Review status: criteria provided, single submitter. Criteria: LMM Criteria. Collection method: clinical testing. Allele origin: germline. Observed: 1 variant allele.
Comment: The Ser953Leu variant in TJP2 has not been previously reported in individuals wi th hearing loss, but has been identified in 1/4404 African American chromosomes by the NHLBI Exome Sequencing Project (rs37721 8278). Computational prediction tools and conservation analyses do not provide s trong support for or against an impact to the protein. In summary, additional in formation is needed to fully assess the clinical significance of this variant.

NM_004817.4(TJP2):c.2858C>T (p.Ser953Leu)

Gene: TJP2 (tight junction protein 2; plus strand). Cytogenetic location: 9q21.11.
Variant type: single nucleotide variant.
Coding change: c.2858C>T on transcript NM_004817.4 (MANE Select); coding-DNA position 2858, C replaced by T.
Protein change: p.Ser953Leu; replaces serine 953 with leucine.
Molecular consequence: missense variant. On other transcripts: intron variant (1).
Genome position (GRCh38, 1-based): chr9:69,248,202, C>T. VCF-style: chr9-69248202-C-T. GRCh37 (hg19) VCF-style: chr9-71863118-C-T.
Other names: c.2789C>T, p.Ser930Leu (NM_001170414.2, NM_001369871.1); c.2870C>T, p.Ser957Leu (NM_001170415.1, NM_001369874.1, NM_001369875.1); c.2951C>T, p.Ser984Leu (NM_001170416.2); c.2783C>T, p.Ser928Leu (NM_001369870.1); c.2858C>T, p.Ser953Leu (NM_001369872.1, NM_201629.3); c.2667+1412C>T (NM_001369873.1); c.2858C>T (NM_004817.3); short protein forms S953L, S928L, S957L, S930L, S984L.
Identifiers: ClinVar variation 178684 (VCV000178684.14), dbSNP rs377218278, ClinGen allele CA182782.